The following is an entry in ClinVar:

ClinVar aggregate classification (germline): Uncertain significance (1 of 4 stars; one submission).

Conditions:
Lymphatic malformation 9. Identifiers: MedGen C5543365, MONDO:0030270, OMIM 619319.

gnomAD v4.1: 10 of 1,612,938 alleles (0.00062%); highest among the groups gnomAD compares: East Asian, 0.0045%; no homozygotes.

Submission:

Clinical Genomics Laboratory, Washington University in St. Louis
Classification: Uncertain significance for Lymphatic malformation 9. Last evaluated: 2024-06-12. Review status: criteria provided, single submitter. Criteria: ACMG Guidelines, 2015. Collection method: clinical testing. Allele origin: germline.
Comment: A CELSR1 c.5501G>A (p.Arg1834His) variant was identified at a heterozygous allelic fraction of 49.5%, a frequency which may be consistent with germline origin. The CELSR1 c.5501G>A (p.Arg1834His) variant, to our knowledge, has not been reported in the medical literature and is only observed on 10/1,612,938 alleles in the general population (gnomAD v4.1.0), indicating it is not a common variant. Computational predictors suggest that this variant does not impact CELSR1 function. Due to limited information, and based on ACMG/AMP guidelines for variant interpretation (Richards S et al., PMID: 25741868), the clinical significance of this variant is uncertain at this time.

NM_001378328.1(CELSR1):c.5501G>A (p.Arg1834His)

Gene: CELSR1 (cadherin EGF LAG seven-pass G-type receptor 1; minus strand). Cytogenetic location: 22q13.31.
Variant type: single nucleotide variant.
Coding change: c.5501G>A on transcript NM_001378328.1 (MANE Select); coding-DNA position 5501, G replaced by A.
Protein change: p.Arg1834His; replaces arginine 1834 with histidine.
Molecular consequence: missense variant.
Genome position (GRCh38, 1-based): chr22:46,398,549, C>T on the plus strand (G>A on the coding strand, the complement: CELSR1 is on the minus strand). VCF-style: chr22-46398549-C-T. GRCh37 (hg19) VCF-style: chr22-46794446-C-T.
Other names: c.5501G>A, p.Arg1834His (NM_014246.4); short protein forms R1834H.
Identifiers: ClinVar variation 3600467 (VCV003600467.1).
Genomic context (GRCh38, chr22:46,398,549, plus strand): 5'-CAGGCCTCCCCCCGCCCCCCACAACCCCCACGCACCTGCATGCAGCCTCGGAATCCACGG[C>T]GCACGGAGACCTTGTCTTCAGAGGCGCCTCCGACCACCACGCTCCTTACCGTCAGCCCGG-3'
Protein context (NP_001365257.1, residues 1824-1844): GGASEDKVSV[Arg1834His]RGFRGCMQGV